The following is an entry in ClinVar:

NM_000057.4(BLM):c.1882+1G>C

Gene: BLM (BLM RecQ like helicase; plus strand). Cytogenetic location: 15q26.1.
Variant type: single nucleotide variant.
Coding change: c.1882+1G>C on transcript NM_000057.4 (MANE Select); the canonical splice donor site of the intron after coding-DNA position 1882, G replaced by C.
Molecular consequence: splice donor variant.
Genome position (GRCh38, 1-based): chr15:90,761,256, G>C. VCF-style: chr15-90761256-G-C. GRCh37 (hg19) VCF-style: chr15-91304486-G-C.
Other names: c.1882+1G>C (NM_001287246.2, NM_001287247.2); c.757+1G>C (NM_001287248.2).
Identifiers: ClinVar variation 1499079 (VCV001499079.7), dbSNP rs757841012, ClinGen allele CA393844051.

ClinVar aggregate classification (germline): Likely pathogenic. Review status: criteria provided, multiple submitters, no conflicts (2 of 4 stars). 2 submissions from 2 submitters: Likely pathogenic (2). Last evaluated 2026-02-27.

Conditions:
Bloom syndrome (BLM). Also called: Bloom-Torre-Machacek syndrome. Identifiers: Orphanet 125, MedGen C0005859, MONDO:0008876, OMIM 210900.

Allele frequency attached by ClinVar (database versions not stated): gnomAD exomes below 0.00001.

Submissions (2):

Myriad Genetics, Inc.
Classification: Likely pathogenic for Bloom syndrome. Last evaluated: 2026-02-27. Review status: criteria provided, single submitter. Criteria: Myriad Autosomal Dominant, Autosomal Recessive and X-Linked Classification Criteria (2023). Collection method: clinical testing. Allele origin: unknown.
Comment: NM_000057.3(BLM):c.1882+1G>C is a missense variant classified as pathogenic in the context of Bloom syndrome. c.1882+1G>C has not been observed in cases with relevant disease. Relevant functional assessments of this variant are not available in the literature. c.1882+1G>C has not been observed in referenced population frequency databases. In summary, NM_000057.3(BLM):c.1882+1G>C is a missense variant in a gene where loss of function is a known mechanism of disease, is predicted to disrupt protein function, and has been observed more frequently in cases with the relevant disease than in healthy populations. Please note: this variant was assessed in the context of healthy population screening.

Labcorp Genetics (formerly Invitae), Labcorp
Classification: Likely pathogenic for Bloom syndrome. Last evaluated: 2024-08-22. Review status: criteria provided, single submitter. Criteria: Invitae Variant Classification Sherloc (09022015). Collection method: clinical testing. Allele origin: germline.
Comment: This sequence change affects a donor splice site in intron 7 of the BLM gene. It is expected to disrupt RNA splicing. Variants that disrupt the donor or acceptor splice site typically lead to a loss of protein function (PMID: 16199547), and loss-of-function variants in BLM are known to be pathogenic (PMID: 17407155). This variant is not present in population databases (gnomAD no frequency). This variant has not been reported in the literature in individuals affected with BLM-related conditions. ClinVar contains an entry for this variant (Variation ID: 1499079). Algorithms developed to predict the effect of sequence changes on RNA splicing suggest that this variant may disrupt the consensus splice site. In summary, the currently available evidence indicates that the variant is pathogenic, but additional data are needed to prove that conclusively. Therefore, this variant has been classified as Likely Pathogenic.

Literature cited by the submitters: PubMed 16199547 (cited by Labcorp Genetics (formerly Invitae), Labcorp); PubMed 17407155 (cited by Labcorp Genetics (formerly Invitae), Labcorp).